The following is an entry in ClinVar:

ClinVar aggregate classification (germline): Uncertain significance. Review status: criteria provided, multiple submitters, no conflicts (2 of 4 stars). 2 submissions from 2 submitters: Uncertain significance (2). Last evaluated 2026-09-04.

Conditions:
Neurofibromatosis, type 1 (NF1). Also called: VON RECKLINGHAUSEN DISEASE; Neurofibromatosis, type I; Peripheral type neurofibromatosis; NEUROFIBROMATOSIS, TYPE I, SOMATIC. Identifiers: Orphanet 636, MedGen C0027831, MONDO:0018975, OMIM 162200. Disease mechanism: loss of function.
Hereditary cancer-predisposing syndrome. Also called: Neoplastic Syndromes, Hereditary; Hereditary Cancer Syndrome; Hereditary neoplastic syndrome; Tumor predisposition. Identifiers: Orphanet 140162, MedGen C0027672, MeSH D009386, MONDO:0015356.
Cardiovascular phenotype. Identifiers: MedGen CN230736.

Submissions (2):

Ambry Genetics
Classification: Uncertain significance for Cardiovascular phenotype; Hereditary cancer-predisposing syndrome. Last evaluated: 2026-09-04. Review status: criteria provided, single submitter. Criteria: Ambry Variant Classification Scheme 2023. Collection method: clinical testing. Allele origin: germline.
Comment: The p.W425S variant (also known as c.1274G>C), located in coding exon 12 of the NF1 gene, results from a G to C substitution at nucleotide position 1274. The tryptophan at codon 425 is replaced by serine, an amino acid with highly dissimilar properties. This amino acid position is highly conserved in available vertebrate species. In addition, this alteration is predicted to be deleterious by in silico analysis. Based on the available evidence, the clinical significance of this variant remains unclear.

Labcorp Genetics (formerly Invitae), Labcorp
Classification: Uncertain significance for Neurofibromatosis, type 1. Last evaluated: 2018-10-10. Review status: criteria provided, single submitter. Criteria: Invitae Variant Classification Sherloc (09022015). Collection method: clinical testing. Allele origin: germline.
Comment: This sequence change replaces tryptophan with serine at codon 425 of the NF1 protein (p.Trp425Ser). The tryptophan residue is highly conserved and there is a large physicochemical difference between tryptophan and serine. This variant is not present in population databases (ExAC no frequency). This variant has not been reported in the literature in individuals with NF1-related disease. Algorithms developed to predict the effect of missense changes on protein structure and function are either unavailable or do not agree on the potential impact of this missense change (SIFT: "Tolerated"; PolyPhen-2: "Possibly Damaging"; Align-GVGD: "Class C0"). In summary, the available evidence is currently insufficient to determine the role of this variant in disease. Therefore, it has been classified as a Variant of Uncertain Significance.

NM_001042492.3(NF1):c.1274G>C (p.Trp425Ser)

Gene: NF1 (neurofibromin 1; plus strand). Cytogenetic location: 17q11.2.
Variant type: single nucleotide variant.
Coding change: c.1274G>C on transcript NM_001042492.3 (MANE Select); coding-DNA position 1274, G replaced by C.
Protein change: p.Trp425Ser; replaces tryptophan 425 with serine.
Molecular consequence: missense variant.
Genome position (GRCh38, 1-based): chr17:31,206,253, G>C. VCF-style: chr17-31206253-G-C. GRCh37 (hg19) VCF-style: chr17-29533271-G-C.
Other names: c.1274G>C, p.Trp425Ser (NM_000267.4, NM_001128147.3); short protein forms W425S.
Identifiers: ClinVar variation 656118 (VCV000656118.9), dbSNP rs1597688734, ClinGen allele CA398999111.